The following is an entry in ClinVar:

NM_000059.4(BRCA2):c.7872T>G (p.Tyr2624Ter)

Gene: BRCA2 (BRCA2 DNA repair associated; plus strand). Cytogenetic location: 13q13.1.
Variant type: single nucleotide variant.
Coding change: c.7872T>G on transcript NM_000059.4 (MANE Select); coding-DNA position 7872, T replaced by G.
Protein change: p.Tyr2624Ter; replaces tyrosine 2624 with a stop codon.
Molecular consequence: nonsense.
Genome position (GRCh38, 1-based): chr13:32,362,589, T>G. VCF-style: chr13-32362589-T-G. GRCh37 (hg19) VCF-style: chr13-32936726-T-G.
Other names: short protein forms Y2624*.
Identifiers: ClinVar variation 216031 (VCV000216031.35), dbSNP rs863224468, ClinGen allele CA339124.

ClinVar aggregate classification (germline): Pathogenic. Review status: reviewed by expert panel (3 of 4 stars). 6 submissions from 6 submitters: Pathogenic (1). 5 of the submissions do not count toward it. Last evaluated 2016-09-08.

Conditions:
Inherited breast cancer and ovarian cancer.
Hereditary breast ovarian cancer syndrome. Also called: Hereditary breast and ovarian cancer; Hereditary breast and ovarian cancer syndrome (HBOC); Breast and ovarian cancer; BRCA1- and BRCA2-Associated Hereditary Breast and Ovarian Cancer; Hereditary breast and ovarian cancer syndrome; Hereditary breast and/or ovarian cancer syndrome. Identifiers: Orphanet 145, MedGen C0677776, MeSH D061325, MONDO:0003582. Disease mechanism: loss of function.
Hereditary cancer-predisposing syndrome. Also called: Tumor predisposition; Neoplastic Syndromes, Hereditary; Hereditary Cancer Syndrome; Hereditary neoplastic syndrome. Identifiers: Orphanet 140162, MedGen C0027672, MeSH D009386, MONDO:0015356.
Breast-ovarian cancer, familial, susceptibility to, 2 (BROVCA2). Also called: BRCA2 Hereditary Breast and Ovarian Cancer. Identifiers: Orphanet 145, MedGen C2675520, MONDO:0012933, OMIM 612555. Disease mechanism: loss of function.

Submissions (6):

Evidence-based Network for the Interpretation of Germline Mutant Alleles (ENIGMA)
Classification: Pathogenic for Breast-ovarian cancer, familial, susceptibility to, 2. Last evaluated: 2016-09-08. Review status: reviewed by expert panel. Criteria: ENIGMA BRCA1/2 Classification Criteria (2015). Collection method: curation. Allele origin: germline.
Comment: Variant allele predicted to encode a truncated non-functional protein.

Labcorp Genetics (formerly Invitae), Labcorp
Classification: Pathogenic for Hereditary breast ovarian cancer syndrome. Last evaluated: 2025-12-28. Review status: criteria provided, single submitter. Criteria: Invitae Variant Classification Sherloc (09022015). Collection method: clinical testing. Allele origin: germline. Not counted in ClinVar's aggregate classification.
Comment: This sequence change creates a premature translational stop signal (p.Tyr2624*) in the BRCA2 gene. It is expected to result in an absent or disrupted protein product. Loss-of-function variants in BRCA2 are known to be pathogenic (PMID: 20104584). This variant is not present in population databases (gnomAD no frequency). This variant has not been reported in the literature in individuals affected with BRCA2-related conditions. ClinVar contains an entry for this variant (Variation ID: 216031). For these reasons, this variant has been classified as Pathogenic.

Ambry Genetics
Classification: Pathogenic for Hereditary cancer-predisposing syndrome. Last evaluated: 2025-09-24. Review status: criteria provided, single submitter. Criteria: Ambry Variant Classification Scheme 2023. Collection method: clinical testing. Allele origin: germline. Not counted in ClinVar's aggregate classification.
Comment: The p.Y2624* pathogenic mutation (also known as c.7872T>G), located in coding exon 16 of the BRCA2 gene, results from a T to G substitution at nucleotide position 7872. This changes the amino acid from a tyrosine to a stop codon within coding exon 16. Two saturation genome editing-based studies, including a haploid cell-survival assay and a humanized mouse embryonic stem cell line assay of drug response and survival, demonstrate that this nucleotide substitution is non-functional(Huang H et al. Nature. 2025 Feb;638(8050):528-537; Sahu S et al. Nature. 2025 Feb;638(8050):538-545). This variant is considered to be rare based on population cohorts in the Genome Aggregation Database (gnomAD). This alteration is expected to result in loss of function by premature protein truncation or nonsense-mediated mRNA decay. As such, this alteration is interpreted as a disease-causing mutation.

Genetics Laboratory, Great Ormond Street Hospital NHS Foundation Trust, North Thames Genomic Laboratory Hub
Classification: Pathogenic for Inherited breast cancer and ovarian cancer. Last evaluated: 2025-09-09. Review status: criteria provided, single submitter. Criteria: CanVIG BRCA Gene Specific V1.22. Collection method: clinical testing. Allele origin: germline. Affected: yes. Not counted in ClinVar's aggregate classification.
Comment: PM2_moderate, PVS1_very-strong, PM5_strong

CeGaT Center for Human Genetics Tuebingen
Classification: Pathogenic. Last evaluated: 2023-11-01. Review status: criteria provided, single submitter. Criteria: CeGaT Center For Human Genetics Tuebingen Variant Classification Criteria Version 2. Collection method: clinical testing. Allele origin: germline. Affected: yes. Observed: 1 variant allele. Not counted in ClinVar's aggregate classification.
Comment: BRCA2: PVS1, PM2

Women's Health and Genetics/Laboratory Corporation of America, LabCorp
Classification: Likely pathogenic for Hereditary breast ovarian cancer syndrome. Last evaluated: 2022-12-13. Review status: criteria provided, single submitter. Criteria: LabCorp Variant Classification Summary - May 2015. Collection method: clinical testing. Allele origin: germline. Not counted in ClinVar's aggregate classification.
Comment: Variant summary: BRCA2 c.7872T>G (p.Tyr2624X) results in a premature termination codon, predicted to cause a truncation of the encoded protein or absence of the protein due to nonsense mediated decay, which are commonly known mechanisms for disease. Truncations downstream of this position have been classified as pathogenic by our laboratory. The variant was absent in 251290 control chromosomes. To our knowledge, no occurrence of c.7872T>G in individuals affected with Hereditary Breast And Ovarian Cancer Syndrome and no experimental evidence demonstrating its impact on protein function have been reported. Two clinical diagnostic laboratories have submitted clinical-significance assessments for this variant to ClinVar after 2014 without evidence for independent evaluation. All laboratories classified the variant as pathogenic. Based on the evidence outlined above, the variant was classified as likely pathogenic.

Literature cited by the submitters: PubMed 20104584 (cited by Labcorp Genetics (formerly Invitae), Labcorp); PubMed 39779848 (cited by Ambry Genetics); PubMed 39779857 (cited by Ambry Genetics).